The following is an entry in ClinVar:

ClinVar aggregate classification (germline): Uncertain significance (1 of 4 stars; one submission).

Conditions:
Inborn genetic diseases. Identifiers: MedGen C0950123, MeSH D030342.

gnomAD v4.1: 2 of 1,613,898 alleles (0.00012%); highest among the groups gnomAD compares: South Asian, 0.0011%; no homozygotes.

Submission:

Ambry Genetics
Classification: Uncertain significance for Inborn genetic diseases. Last evaluated: 2024-09-09. Review status: criteria provided, single submitter. Criteria: Ambry Variant Classification Scheme 2023. Collection method: clinical testing. Allele origin: germline.
Comment: The p.V416L variant (also known as c.1246G>T), located in coding exon 11 of the AKT1 gene, results from a G to T substitution at nucleotide position 1246. The valine at codon 416 is replaced by leucine, an amino acid with highly similar properties. This amino acid position is conserved. In addition, this alteration is predicted to be tolerated by in silico analysis. Based on the available evidence, the clinical significance of this variant remains unclear.

NM_001382430.1(AKT1):c.1246G>T (p.Val416Leu)

Gene: AKT1 (AKT serine/threonine kinase 1; minus strand). Cytogenetic location: 14q32.33.
Variant type: single nucleotide variant.
Coding change: c.1246G>T on transcript NM_001382430.1 (MANE Select); coding-DNA position 1246, G replaced by T.
Protein change: p.Val416Leu; replaces valine 416 with leucine.
Molecular consequence: missense variant.
Genome position (GRCh38, 1-based): chr14:104,772,379, C>A on the plus strand (G>T on the coding strand, the complement: AKT1 is on the minus strand). VCF-style: chr14-104772379-C-A. GRCh37 (hg19) VCF-style: chr14-105238716-C-A.
Other names: c.1246G>T, p.Val416Leu (NM_001014431.2, NM_001014432.2, NM_001382431.1 and 3 more transcripts); short protein forms V416L.
Identifiers: ClinVar variation 3519006 (VCV003519006.1).